The following is an entry in ClinVar:

ClinVar aggregate classification (germline): Uncertain significance (1 of 4 stars; one submission).

Conditions:
Dyskeratosis congenita, autosomal recessive 5 (DKCB5). Identifiers: MedGen C3554656, MONDO:0014076, OMIM 615190.
Pulmonary fibrosis and/or bone marrow failure, Telomere-related, 3. Also called: PULMONARY FIBROSIS AND/OR BONE MARROW FAILURE SYNDROME, TELOMERE-RELATED, 3. Identifiers: Orphanet 2032, MedGen C4225346, MONDO:0014613, OMIM 616373.

Submission:

Labcorp Genetics (formerly Invitae), Labcorp
Classification: Uncertain significance for Dyskeratosis congenita, autosomal recessive 5; Pulmonary fibrosis and/or bone marrow failure, Telomere-related, 3. Last evaluated: 2023-08-28. Review status: criteria provided, single submitter. Criteria: Invitae Variant Classification Sherloc (09022015). Collection method: clinical testing. Allele origin: germline.
Comment: In summary, the available evidence is currently insufficient to determine the role of this variant in disease. Therefore, it has been classified as a Variant of Uncertain Significance. Algorithms developed to predict the effect of sequence changes on RNA splicing suggest that this variant may create or strengthen a splice site. Algorithms developed to predict the effect of missense changes on protein structure and function output the following: SIFT: "Not Available"; PolyPhen-2: "Benign"; Align-GVGD: "Not Available". The arginine amino acid residue is found in multiple mammalian species, which suggests that this missense change does not adversely affect protein function. This variant has not been reported in the literature in individuals affected with RTEL1-related conditions. This variant is not present in population databases (gnomAD no frequency). This sequence change replaces lysine, which is basic and polar, with arginine, which is basic and polar, at codon 1125 of the RTEL1 protein (p.Lys1125Arg).

NM_001283009.2(RTEL1):c.3374A>G (p.Lys1125Arg)

Genes: RTEL1 (regulator of telomere elongation helicase 1; plus strand), RTEL1-TNFRSF6B (RTEL1-TNFRSF6B readthrough (NMD candidate); plus strand). Cytogenetic location: 20q13.33.
Variant type: single nucleotide variant.
Coding change: c.3374A>G on transcript NM_001283009.2 (MANE Select); coding-DNA position 3374, A replaced by G.
Protein change: p.Lys1125Arg; replaces lysine 1125 with arginine.
Molecular consequence: missense variant. On other transcripts: non-coding transcript variant (1).
Genome position (GRCh38, 1-based): chr20:63,695,096, A>G. VCF-style: chr20-63695096-A-G. GRCh37 (hg19) VCF-style: chr20-62326449-A-G.
Other names: c.2705A>G, p.Lys902Arg (NM_001283010.1); c.3374A>G, p.Lys1125Arg (NM_016434.4); c.3446A>G, p.Lys1149Arg (NM_032957.5); short protein forms K902R, K1125R, K1149R.
Identifiers: ClinVar variation 2930517 (VCV002930517.3), dbSNP rs2517200547, ClinGen allele CA409685305.